The following is an entry in ClinVar:

NM_004371.4(COPA):c.2476+11_2476+12delinsGA

Gene: COPA (coat protein complex I subunit alpha; minus strand). Cytogenetic location: 1q23.2.
Variant type: Indel.
Coding change: c.2476+11_2476+12delinsGA on transcript NM_004371.4 (MANE Select); bases 11 to 12 of the intron after coding-DNA position 2476, AT replaced by GA.
Molecular consequence: intron variant.
Genome position (GRCh38, 1-based): chr1:160,295,724-160,295,725, AT replaced by TC on the plus strand (AT replaced by GA on the coding strand, the reverse complement: COPA is on the minus strand). VCF-style: chr1-160295724-AT-TC. GRCh37 (hg19) VCF-style: chr1-160265514-AT-TC.
Other names: c.2503+11_2503+12delinsGA (NM_001098398.2).
Identifiers: ClinVar variation 3654659 (VCV003654659.2).

ClinVar aggregate classification (germline): Uncertain significance (1 of 4 stars; one submission).

Conditions:
Autoimmune interstitial lung disease-arthritis syndrome. Also called: Autoinflammation and autoimmunity, systemic, with immune dysregulation. Identifiers: Orphanet 444092, MedGen C5975714, MONDO:0014629.

Submission:

Labcorp Genetics (formerly Invitae), Labcorp
Classification: Uncertain significance for Autoimmune interstitial lung disease-arthritis syndrome. Last evaluated: 2024-06-27. Review status: criteria provided, single submitter. Criteria: Invitae Variant Classification Sherloc (09022015). Collection method: clinical testing. Allele origin: germline.
Comment: This sequence change falls in intron 23 of the COPA gene. It does not directly change the encoded amino acid sequence of the COPA protein. Information on the frequency of this variant in the gnomAD database is not available, as this variant may be reported differently in the database. This variant has not been reported in the literature in individuals affected with COPA-related conditions. In summary, the available evidence is currently insufficient to determine the role of this variant in disease. Therefore, it has been classified as a Variant of Uncertain Significance.